The following is an entry in ClinVar:

NM_152703.5(SAMD9L):c.3775A>C (p.Asn1259His)

Gene: SAMD9L (sterile alpha motif domain containing 9 like; minus strand). Cytogenetic location: 7q21.2.
Variant type: single nucleotide variant.
Coding change: c.3775A>C on transcript NM_152703.5 (MANE Select); coding-DNA position 3775, A replaced by C.
Protein change: p.Asn1259His; replaces asparagine 1259 with histidine.
Molecular consequence: missense variant.
Genome position (GRCh38, 1-based): chr7:93,132,197, T>G on the plus strand (A>C on the coding strand, the complement: SAMD9L is on the minus strand). VCF-style: chr7-93132197-T-G. GRCh37 (hg19) VCF-style: chr7-92761510-T-G.
Other names: c.3775A>C, p.Asn1259His (NM_001303496.3, NM_001303497.3, NM_001303498.3 and 5 more transcripts); short protein forms N1259H.
Identifiers: ClinVar variation 3949905 (VCV003949905.1).
Genomic context (GRCh38, chr7:93,132,197, plus strand): 5'-TCAGAAGAACCATATAATCAATAAAAAAGTCAAAGCACCTTTTCAGATCTGATTGTAAAT[T>G]TTTTAGGTGGGATGTGAACTTGCTAAGAGCCAAATAACATTCATTTCTGGGATCAGGAGG-3'
Protein context (NP_689916.2, residues 1249-1269): ALSKFTSHLK[Asn1259His]LQSDLKRCFD

ClinVar aggregate classification (germline): Uncertain significance (1 of 4 stars; one submission).

Conditions:
Inborn genetic diseases. Identifiers: MedGen C0950123, MeSH D030342.

Submission:

Ambry Genetics
Classification: Uncertain significance for Inborn genetic diseases. Last evaluated: 2025-05-08. Review status: criteria provided, single submitter. Criteria: Ambry Variant Classification Scheme 2023. Collection method: clinical testing. Allele origin: germline.
Comment: The p.N1259H variant (also known as c.3775A>C), located in coding exon 1 of the SAMD9L gene, results from an A to C substitution at nucleotide position 3775. The asparagine at codon 1259 is replaced by histidine, an amino acid with similar properties. This amino acid position is conserved. In addition, this alteration is predicted to be tolerated by in silico analysis. Based on the available evidence, the clinical significance of this variant remains unclear.